The following is an entry in ClinVar:

NM_001270508.2(TNFAIP3):c.542T>C (p.Met181Thr)

Genes: TNFAIP3 (TNF alpha induced protein 3; plus strand), LOC126859807 (MED14-independent group 3 enhancer GRCh37_chr6:138196296-138197495; plus strand). Cytogenetic location: 6q23.3.
Variant type: single nucleotide variant.
Coding change: c.542T>C on transcript NM_001270508.2 (MANE Select); coding-DNA position 542, T replaced by C.
Protein change: p.Met181Thr; replaces methionine 181 with threonine.
Molecular consequence: missense variant.
Genome position (GRCh38, 1-based): chr6:137,875,743, T>C. VCF-style: chr6-137875743-T-C. GRCh37 (hg19) VCF-style: chr6-138196880-T-C.
Other names: c.542T>C, p.Met181Thr (NM_001270507.2, NM_006290.4); c.542T>C (NM_006290.2); short protein forms M181T.
Identifiers: ClinVar variation 1506297 (VCV001506297.8), dbSNP rs768346040, ClinGen allele CA365783273.
Genomic context (GRCh38, chr6:137,875,743, plus strand): 5'-CTTAGAACTGGAATGATGAATGGGACAATCTTATCAAAATGGCTTCCACAGACACACCCA[T>C]GGCCCGAAGTGGACTTCAGTACAACTCACTGGAAGAAATACACATATTTGTCCTTTGCAA-3'
Protein context (NP_001257437.1, residues 171-191): LIKMASTDTP[Met181Thr]ARSGLQYNSL

ClinVar aggregate classification (germline): Uncertain significance. Review status: criteria provided, multiple submitters, no conflicts (2 of 4 stars). 2 submissions from 2 submitters: Uncertain significance (2). Last evaluated 2025-11-03.

Conditions:
Inborn genetic diseases. Identifiers: MedGen C0950123, MeSH D030342.

Allele frequency attached by ClinVar (database versions not stated): gnomAD 0.00003; TOPMed 0.00004; gnomAD exomes below 0.00001.

Submissions (2):

Ambry Genetics
Classification: Uncertain significance for Inborn genetic diseases. Last evaluated: 2025-11-03. Review status: criteria provided, single submitter. Criteria: Ambry Variant Classification Scheme 2023. Collection method: clinical testing. Allele origin: germline.

Labcorp Genetics (formerly Invitae), Labcorp
Classification: Uncertain significance. Last evaluated: 2021-02-01. Review status: criteria provided, single submitter. Criteria: Invitae Variant Classification Sherloc (09022015). Collection method: clinical testing. Allele origin: germline.
Comment: In summary, the available evidence is currently insufficient to determine the role of this variant in disease. Therefore, it has been classified as a Variant of Uncertain Significance. Algorithms developed to predict the effect of missense changes on protein structure and function output the following: SIFT: "Tolerated"; PolyPhen-2: "Benign"; Align-GVGD: "Class C0". The threonine amino acid residue is found in multiple mammalian species, suggesting that this missense change does not adversely affect protein function. These predictions have not been confirmed by published functional studies and their clinical significance is uncertain. This sequence change replaces methionine with threonine at codon 181 of the TNFAIP3 protein (p.Met181Thr). The methionine residue is weakly conserved and there is a moderate physicochemical difference between methionine and threonine. This variant is not present in population databases (ExAC no frequency). This variant has not been reported in the literature in individuals with TNFAIP3-related conditions.